The following is an entry in ClinVar:

ClinVar aggregate classification (germline): Likely benign (0 of 4 stars; one submission).

Conditions:
GFAP-related disorder. Also called: GFAP-related disorders; GFAP-related condition.

Allele frequency attached by ClinVar (database versions not stated): ExAC 0.00007.

Submission:

PreventionGenetics, part of Exact Sciences
Classification: Likely benign for GFAP-related condition. Last evaluated: 2020-01-06. Review status: no assertion criteria provided. Collection method: clinical testing. Allele origin: germline.
Comment: This variant is classified as likely benign based on ACMG/AMP sequence variant interpretation guidelines (Richards et al. 2015 PMID: 25741868, with internal and published modifications).

NM_002055.5(GFAP):c.1171+149A>G

Gene: GFAP (glial fibrillary acidic protein; minus strand). Cytogenetic location: 17q21.31.
Variant type: single nucleotide variant.
Coding change: c.1171+149A>G on transcript NM_002055.5 (MANE Select); 149 bases into the intron after coding-DNA position 1171, A replaced by G.
Molecular consequence: intron variant. On other transcripts: 3 prime UTR variant (1).
Genome position (GRCh38, 1-based): chr17:44,910,466, T>C on the plus strand (A>G on the coding strand, the complement: GFAP is on the minus strand). VCF-style: chr17-44910466-T-C. GRCh37 (hg19) VCF-style: chr17-42987834-T-C.
Other names: c.*3A>G (NM_001242376.3); c.1171+149A>G (NM_001363846.2, NM_001131019.3).
Identifiers: ClinVar variation 3051628 (VCV003051628.2), dbSNP rs551196087, ClinGen allele CA8608719.
Genomic context (GRCh38, chr17:44,910,466, plus strand): 5'-GCCTAGCAGGACAGGGGCAGCTGCAAGCCCCACCTAGAAGTACCCTGGTATGATAGGCTC[T>C]GGCTAGGAGCGCTGCAGTGTCACGAAGGCCCCCAGGGAGAGCTGGATCCCTTTGCCCTGA-3'